The following is an entry in ClinVar:

NM_000138.5(FBN1):c.6732G>T (p.Met2244Ile)

Gene: FBN1 (fibrillin 1; minus strand). Cytogenetic location: 15q21.1.
Variant type: single nucleotide variant.
Coding change: c.6732G>T on transcript NM_000138.5 (MANE Select); coding-DNA position 6732, G replaced by T.
Protein change: p.Met2244Ile; replaces methionine 2244 with isoleucine.
Molecular consequence: missense variant.
Genome position (GRCh38, 1-based): chr15:48,432,873, C>A on the plus strand (G>T on the coding strand, the complement: FBN1 is on the minus strand). VCF-style: chr15-48432873-C-A. GRCh37 (hg19) VCF-style: chr15-48725070-C-A.
Other names: short protein forms M2244I.
Identifiers: ClinVar variation 495640 (VCV000495640.3), dbSNP rs780960909, ClinGen allele CA392333198.
Genomic context (GRCh38, chr15:48,432,873, plus strand): 5'-CCCCTCACAGATAAAGCTTCCTGGCTTAGATGACCTTGAACACGATGACTCACCTTTGCA[C>A]ATCCTACGGTCTTCTCTGAGCACATATCCCACGGGACATTTGCATTCATATGACCCATAA-3'
Protein context (NP_000129.3, residues 2234-2254): VGYVLREDRR[Met2244Ile]CKDEDECEEG

ClinVar aggregate classification (germline): Uncertain significance. Review status: criteria provided, multiple submitters, no conflicts (2 of 4 stars). 2 submissions from 2 submitters: Uncertain significance (2). Last evaluated 2023-11-06.

Conditions:
Familial thoracic aortic aneurysm and aortic dissection (TAAD). Also called: Thoracic aortic aneurysms and dissections. Identifiers: Orphanet 91387, MedGen C4707243, MONDO:0019625.

Submissions (2):

Color Diagnostics, LLC DBA Color Health
Classification: Uncertain significance for Familial thoracic aortic aneurysm and aortic dissection. Last evaluated: 2023-11-06. Review status: criteria provided, single submitter. Criteria: ACMG Guidelines, 2015. Collection method: clinical testing. Allele origin: germline.
Comment: This missense variant replaces methionine with isoleucine at codon 2244 of the FBN1 protein. Computational prediction is inconclusive regarding the impact of this variant on protein structure and function (internally defined REVEL score threshold 0.5 < inconclusive < 0.7, PMID: 27666373). To our knowledge, functional studies have not been reported for this variant. This variant has not been reported in individuals affected with FBN1-related disorders in the literature. This variant has not been identified in the general population by the Genome Aggregation Database (gnomAD). The available evidence is insufficient to determine the role of this variant in disease conclusively. Therefore, this variant is classified as a Variant of Uncertain Significance.

Women's Health and Genetics/Laboratory Corporation of America, LabCorp
Classification: Uncertain significance. Last evaluated: 2017-04-26. Review status: criteria provided, single submitter. Criteria: LabCorp Variant Classification Summary - May 2015. Collection method: clinical testing. Allele origin: germline.
Comment: Variant summary: The FBN1 c.6732G>T (p.Met2244Ile) variant located in Ca2+-binding EGF-like #34 domain involves the alteration of a conserved nucleotide and is predicted to be damaging by 2/4 in silico tools (SNPsandGO not captured due to low reliability index). However, these predictions have yet to be functionally assessed. This variant is absent in 121326 control chromosomes from ExAC. To our knowledge, this variant has not been reported in affected individuals via publications and/or reputable databases/clinical diagnostic laboratories, nor has it been evaluated for functional impact by in vivo/vitro studies. Because of the lack of the available clinical and functional studies, this variant has been classified as a "Variant of Uncertain Significance (VUS)," until additional information becomes available.